The following is an entry in ClinVar:

NM_015295.3(SMCHD1):c.2605G>A (p.Gly869Ser)

Gene: SMCHD1 (structural maintenance of chromosomes flexible hinge domain containing 1; plus strand). Cytogenetic location: 18p11.32.
Variant type: single nucleotide variant.
Coding change: c.2605G>A on transcript NM_015295.3 (MANE Select); coding-DNA position 2605, G replaced by A.
Protein change: p.Gly869Ser; replaces glycine 869 with serine.
Molecular consequence: missense variant.
Genome position (GRCh38, 1-based): chr18:2,724,900, G>A. VCF-style: chr18-2724900-G-A. GRCh37 (hg19) VCF-style: chr18-2724898-G-A.
Other names: short protein forms G869S.
Identifiers: ClinVar variation 955804 (VCV000955804.7), dbSNP rs757305853, ClinGen allele CA8871021.

ClinVar aggregate classification (germline): Uncertain significance. Review status: criteria provided, multiple submitters, no conflicts (2 of 4 stars). 2 submissions from 2 submitters: Uncertain significance (2). Last evaluated 2026-05-07.

Conditions:
Facioscapulohumeral muscular dystrophy 2 (FSHD2). Also called: MUSCULAR DYSTROPHY, FACIOSCAPULOHUMERAL, TYPE 1B; FACIOSCAPULOHUMERAL MUSCULAR DYSTROPHY 2, DIGENIC; FSHD2, DIGENIC. Identifiers: Orphanet 269, MedGen C1834671, MONDO:0008031, OMIM 158901.

Allele frequency attached by ClinVar (database versions not stated): gnomAD exomes 0.00005 and 0.00013; gnomAD 0.00004 and 0.00003; TOPMed 0.00006; ExAC 0.00020.
gnomAD v4.1: 33 of 1,559,032 alleles (0.0021%); highest among the groups gnomAD compares: Admixed American, 0.056%; no homozygotes.

Submissions (2):

Women's Health and Genetics/Laboratory Corporation of America, LabCorp
Classification: Uncertain significance. Last evaluated: 2026-05-07. Review status: criteria provided, single submitter. Criteria: LabCorp Variant Classification Summary - May 2015. Collection method: clinical testing. Allele origin: germline.
Comment: Variant summary: SMCHD1 c.2605G>A (p.Gly869Ser) results in a non-conservative amino acid change in the encoded protein sequence. Algorithms developed to predict the effect of missense changes on protein structure and function are either unavailable or do not agree on the potential impact of this missense change. Computational tools predict a significant impact on normal splicing: Two predict the variant weakens a canonical 3' acceptor site. Two predict the variant creates a cryptic 3' acceptor site. One predicts the variant no significant impact on splicing. However, these predictions have yet to be confirmed by functional studies. The variant allele was found at a frequency of 0.00013 in 204984 control chromosomes (gnomAD). This frequency is not significantly higher than estimated for disease-causing variants in SMCHD1, allowing no conclusion about variant significance. To our knowledge, no occurrence of c.2605G>A in individuals affected with SMCHD1-related conditions and no experimental evidence demonstrating its impact on protein function have been reported. ClinVar contains an entry for this variant (Variation ID: 955804). Based on the evidence outlined above, the variant was classified as uncertain significance.

Labcorp Genetics (formerly Invitae), Labcorp
Classification: Uncertain significance for Facioscapulohumeral muscular dystrophy 2. Last evaluated: 2024-12-17. Review status: criteria provided, single submitter. Criteria: Invitae Variant Classification Sherloc (09022015). Collection method: clinical testing. Allele origin: germline.
Comment: This sequence change replaces glycine, which is neutral and non-polar, with serine, which is neutral and polar, at codon 869 of the SMCHD1 protein (p.Gly869Ser). This variant is present in population databases (rs757305853, gnomAD 0.07%), and has an allele count higher than expected for a pathogenic variant. This variant has not been reported in the literature in individuals affected with SMCHD1-related conditions. ClinVar contains an entry for this variant (Variation ID: 955804). An algorithm developed to predict the effect of missense changes on protein structure and function (PolyPhen-2) suggests that this variant is likely to be disruptive. Algorithms developed to predict the effect of sequence changes on RNA splicing suggest that this variant may create or strengthen a splice site. In summary, the available evidence is currently insufficient to determine the role of this variant in disease. Therefore, it has been classified as a Variant of Uncertain Significance.